The following is an entry in ClinVar:

NM_001370259.2(MEN1):c.1221dup (p.Glu408Ter)

Gene: MEN1 (menin 1; minus strand). Cytogenetic location: 11q13.1.
Variant type: Duplication.
Coding change: c.1221dup on transcript NM_001370259.2 (MANE Select); coding-DNA position 1221, one base duplicated (T; older notation c.1221dupT).
Protein change: p.Glu408Ter; replaces glutamic acid 408 with a stop codon.
Molecular consequence: nonsense.
Genome position (GRCh38, 1-based): chr11:64,805,163, A duplicated on the plus strand (T on the coding strand, the reverse complement: MEN1 is on the minus strand). VCF-style (leftmost placement, unchanged base first): chr11-64805162-C-CA. GRCh37 (hg19) VCF-style: chr11-64572634-C-CA.
Other names: c.1236dup, p.Glu413Ter (NM_130800.3, NM_130801.3, NM_130802.3 and 3 more transcripts); c.1347dup, p.Glu450Ter (NM_001370251.2); c.1221dup, p.Glu408Ter (NM_001370260.2, NM_001370261.2, NM_130799.3); c.1116dup, p.Glu373Ter (NM_001370262.2, NM_001370263.2); short protein forms E373*, E408*, E413*, E450*.
Identifiers: ClinVar variation 1428134 (VCV001428134.7), dbSNP rs2136102861, ClinGen allele CA2573147444.

ClinVar aggregate classification (germline): Pathogenic (1 of 4 stars; one submission).

Conditions:
Multiple endocrine neoplasia, type 1 (MEN1). Also called: MEA I; MEN I; WERMER SYNDROME; Endocrine adenomatosis multiple; MEN 1. Identifiers: Orphanet 652, MedGen C0025267, MeSH D018761, MONDO:0007540, OMIM 131100.

Submission:

Labcorp Genetics (formerly Invitae), Labcorp
Classification: Pathogenic for Multiple endocrine neoplasia, type 1. Last evaluated: 2020-11-02. Review status: criteria provided, single submitter. Criteria: Invitae Variant Classification Sherloc (09022015). Collection method: clinical testing. Allele origin: germline.
Comment: For these reasons, this variant has been classified as Pathogenic. This variant has not been reported in the literature in individuals with MEN1-related conditions. This variant is not present in population databases (ExAC no frequency). This sequence change creates a premature translational stop signal (p.Glu408*) in the MEN1 gene. It is expected to result in an absent or disrupted protein product. Loss-of-function variants in MEN1 are known to be pathogenic (PMID: 12112656, 17853334).

Literature cited by the submitters: PubMed 12112656; PubMed 17853334.